The following is an entry in ClinVar:

NM_003816.3(ADAM9):c.2178C>G (p.Ser726Arg)

Gene: ADAM9 (ADAM metallopeptidase domain 9; plus strand). Cytogenetic location: 8p11.22.
Variant type: single nucleotide variant.
Coding change: c.2178C>G on transcript NM_003816.3 (MANE Select); coding-DNA position 2178, C replaced by G.
Protein change: p.Ser726Arg; replaces serine 726 with arginine.
Molecular consequence: missense variant. On other transcripts: non-coding transcript variant (2).
Genome position (GRCh38, 1-based): chr8:39,090,156, C>G. VCF-style: chr8-39090156-C-G. GRCh37 (hg19) VCF-style: chr8-38947675-C-G.
Other names: short protein forms S726R.
Identifiers: ClinVar variation 1365596 (VCV001365596.4), dbSNP rs777831234, ClinGen allele CA370749662.

ClinVar aggregate classification (germline): Uncertain significance (1 of 4 stars; one submission).

gnomAD v4.1: 3 of 1,613,668 alleles (0.00019%); highest among the groups gnomAD compares: African/African-American, 0.0027%; no homozygotes.

Submission:

Labcorp Genetics (formerly Invitae), Labcorp
Classification: Uncertain significance. Last evaluated: 2021-09-04. Review status: criteria provided, single submitter. Criteria: Invitae Variant Classification Sherloc (09022015). Collection method: clinical testing. Allele origin: germline.
Comment: In summary, the available evidence is currently insufficient to determine the role of this variant in disease. Therefore, it has been classified as a Variant of Uncertain Significance. Algorithms developed to predict the effect of sequence changes on RNA splicing suggest that this variant may create or strengthen a splice site. Algorithms developed to predict the effect of missense changes on protein structure and function output the following: SIFT: "Tolerated"; PolyPhen-2: "Benign"; Align-GVGD: "Class C0". The arginine amino acid residue is found in multiple mammalian species, which suggests that this missense change does not adversely affect protein function. This variant has not been reported in the literature in individuals affected with ADAM9-related conditions. This variant is not present in population databases (ExAC no frequency). This sequence change replaces serine with arginine at codon 726 of the ADAM9 protein (p.Ser726Arg). The serine residue is weakly conserved and there is a moderate physicochemical difference between serine and arginine.